The following is an entry in ClinVar:

NM_020937.4(FANCM):c.2531A>C (p.His844Pro)

Gene: FANCM (FA complementation group M; plus strand). Cytogenetic location: 14q21.2.
Variant type: single nucleotide variant.
Coding change: c.2531A>C on transcript NM_020937.4 (MANE Select); coding-DNA position 2531, A replaced by C.
Protein change: p.His844Pro; replaces histidine 844 with proline.
Molecular consequence: missense variant.
Genome position (GRCh38, 1-based): chr14:45,175,285, A>C. VCF-style: chr14-45175285-A-C. GRCh37 (hg19) VCF-style: chr14-45644488-A-C.
Other names: c.2453A>C, p.His818Pro (NM_001308133.2); short protein forms H818P, H844P.
Identifiers: ClinVar variation 2579571 (VCV002579571.1), dbSNP rs113630826, ClinGen allele CA389598051.
Genomic context (GRCh38, chr14:45,175,285, plus strand): 5'-GCAGTTCATCCTCAGTGATAGAATCTGATGAAGAATGTGCTGAAATTGTTAAACAAACTC[A>C]TATCAAACCTACTAAAATTGTTTCTTTAAAGAAAAAAGTGTCTAAAGAAATAAAAAAAGA-3'
Protein context (NP_065988.1, residues 834-854): EECAEIVKQT[His844Pro]IKPTKIVSLK

ClinVar aggregate classification (germline): Uncertain significance (1 of 4 stars; one submission).

Allele frequency attached by ClinVar (database versions not stated): gnomAD exomes below 0.00001; gnomAD 0.00001.
gnomAD v4.1: 3 of 1,586,418 alleles (0.00019%); highest among the groups gnomAD compares: African/African-American, 0.0027%; no homozygotes.

Submission:

GeneDx
Classification: Uncertain significance. Last evaluated: 2023-03-06. Review status: criteria provided, single submitter. Criteria: GeneDx Variant Classification Process June 2021. Collection method: clinical testing. Allele origin: germline. Affected: yes.
Comment: Not observed at significant frequency in large population cohorts (gnomAD); In silico analysis supports that this missense variant does not alter protein structure/function; Has not been previously published as pathogenic or benign to our knowledge